The following is an entry in ClinVar:

ClinVar aggregate classification (germline): Uncertain significance (1 of 4 stars; one submission).

Conditions:
Hereditary diffuse gastric adenocarcinoma (HDGC). Also called: DIFFUSE GASTRIC AND LOBULAR BREAST CANCER SYNDROME. Identifiers: Orphanet 26106, MedGen C1708349, MONDO:0007648, OMIM 137215.

Submission:

Labcorp Genetics (formerly Invitae), Labcorp
Classification: Uncertain significance for Hereditary diffuse gastric adenocarcinoma. Last evaluated: 2019-03-05. Review status: criteria provided, single submitter. Criteria: Invitae Variant Classification Sherloc (09022015). Collection method: clinical testing. Allele origin: germline.
Comment: In summary, the available evidence is currently insufficient to determine the role of this variant in disease. Therefore, it has been classified as a Variant of Uncertain Significance. Algorithms developed to predict the effect of missense changes on protein structure and function are either unavailable or do not agree on the potential impact of this missense change (SIFT: "Deleterious"; PolyPhen-2: "Possibly Damaging"; Align-GVGD: "Class C15"). This variant has not been reported in the literature in individuals with CDH1-related conditions. This variant is not present in population databases (ExAC no frequency). This sequence change replaces aspartic acid with tyrosine at codon 662 of the CDH1 protein (p.Asp662Tyr). The aspartic acid residue is weakly conserved and there is a large physicochemical difference between aspartic acid and tyrosine.

NM_004360.5(CDH1):c.1984G>T (p.Asp662Tyr)

Gene: CDH1 (cadherin 1; plus strand). Cytogenetic location: 16q22.1.
Variant type: single nucleotide variant.
Coding change: c.1984G>T on transcript NM_004360.5 (MANE Select); coding-DNA position 1984, G replaced by T.
Protein change: p.Asp662Tyr; replaces aspartic acid 662 with tyrosine.
Molecular consequence: missense variant.
Genome position (GRCh38, 1-based): chr16:68,823,446, G>T. VCF-style: chr16-68823446-G-T. GRCh37 (hg19) VCF-style: chr16-68857349-G-T.
Other names: c.1801G>T, p.Asp601Tyr (NM_001317184.2); c.436G>T, p.Asp146Tyr (NM_001317185.2); c.19G>T, p.Asp7Tyr (NM_001317186.2); short protein forms D146Y, D601Y, D662Y, D7Y.
Identifiers: ClinVar variation 862268 (VCV000862268.10), dbSNP rs1596965647, ClinGen allele CA396467599.